The following is an entry in ClinVar:

ClinVar aggregate classification (germline): Pathogenic. Review status: criteria provided, multiple submitters, no conflicts (2 of 4 stars). 2 submissions from 2 submitters: Pathogenic (2). Last evaluated 2021-02-28.

Conditions:
DICER1-related tumor predisposition. Also called: DICER1-related pleuropulmonary blastoma cancer predisposition syndrome; DICER1 syndrome. Identifiers: Orphanet 284343, MedGen C3839822, MONDO:0100216.

Submissions (2):

Labcorp Genetics (formerly Invitae), Labcorp
Classification: Pathogenic for DICER1-related tumor predisposition. Last evaluated: 2021-02-28. Review status: criteria provided, single submitter. Criteria: Invitae Variant Classification Sherloc (09022015). Collection method: clinical testing. Allele origin: germline.
Comment: This variant has been observed to segregate with pleuropulmonary blastoma in a family (PMID: 30665929). ClinVar contains an entry for this variant (Variation ID: 412146). This sequence change affects an acceptor splice site in intron 15 of the DICER1 gene. It is expected to disrupt RNA splicing and likely results in an absent or disrupted protein product. This variant is not present in population databases (ExAC no frequency). Algorithms developed to predict the effect of sequence changes on RNA splicing suggest that this variant may disrupt the consensus splice site, but this prediction has not been confirmed by published transcriptional studies. Donor and acceptor splice site variants typically lead to a loss of protein function (PMID: 16199547), and loss-of-function variants in DICER1 are known to be pathogenic (PMID: 19556464, 21266384). For these reasons, this variant has been classified as Pathogenic.

Foulkes Cancer Genetics LDI, Lady Davis Institute for Medical Research
Classification: Pathogenic for Pleuropulmonary blastoma. Last evaluated: 2019-07-01. Review status: criteria provided, single submitter. Criteria: ACMG Guidelines, 2015. Collection method: curation. Allele origin: germline. Affected: yes and no. Observed: 6 variant alleles.
Comment: ACMG criteria met: PVS1, PM2, PP1, PP4

Literature cited by the submitters: PubMed 30665929 (cited by Labcorp Genetics (formerly Invitae), Labcorp and Foulkes Cancer Genetics LDI, Lady Davis Institute for Medical Research); PubMed 16199547 (cited by Labcorp Genetics (formerly Invitae), Labcorp); PubMed 19556464 (cited by Labcorp Genetics (formerly Invitae), Labcorp); PubMed 21266384 (cited by Labcorp Genetics (formerly Invitae), Labcorp).

NM_177438.3(DICER1):c.2437-2A>G

Gene: DICER1 (dicer 1, ribonuclease III; minus strand). Cytogenetic location: 14q32.13.
Variant type: single nucleotide variant.
Coding change: c.2437-2A>G on transcript NM_177438.3 (MANE Select); the canonical splice acceptor site of the intron before coding-DNA position 2437, A replaced by G.
Molecular consequence: splice acceptor variant.
Genome position (GRCh38, 1-based): chr14:95,108,095, T>C on the plus strand (A>G on the coding strand, the complement: DICER1 is on the minus strand). VCF-style: chr14-95108095-T-C. GRCh37 (hg19) VCF-style: chr14-95574432-T-C.
Other names: c.2437-2A>G (NM_001291628.2, NM_030621.4, NM_001395677.1 and 12 more transcripts); c.2032-2A>G (NM_001395690.1, NM_001395687.1, NM_001395689.1 and 2 more transcripts); c.2155-2A>G (NM_001395686.1); c.1870-2A>G (NM_001395691.1); c.754-2A>G (NM_001395697.1).
Identifiers: ClinVar variation 412146 (VCV000412146.14), dbSNP rs1060503640, ClinGen allele CA16614673.